The following is an entry in ClinVar:

ClinVar aggregate classification (germline): Pathogenic (1 of 4 stars; one submission).

Conditions:
Myasthenic syndrome, congenital, 22 (CMS22). Also called: PREPL DEFICIENCY. Identifiers: MedGen C4479088, MONDO:0044299, OMIM 616224.

Submission:

Labcorp Genetics (formerly Invitae), Labcorp
Classification: Pathogenic for Myasthenic syndrome, congenital, 22. Last evaluated: 2018-06-10. Review status: criteria provided, single submitter. Criteria: Invitae Variant Classification Sherloc (09022015). Collection method: clinical testing. Allele origin: germline.
Comment: This variant is a gross deletion of the genomic region encompassing exons 2-14 of the PREPL gene. The 5' boundary is likely confined to intron 1. The 3' end of this event is unknown as it extends through the termination codon beyond the assayed region for this gene and may encompass additional genes. While this deletion is not anticipated to result in nonsense mediated decay, it is expected to create a truncated protein product or disrupt mRNA translation. Isolated deletions if exon 2-14 of PREPL have not been reported in the literature. However, larger copy number events that include this region have been reported (PMID: 22796000, 24610330). For these reasons, this variant has been classified as Pathogenic.

Literature cited by the submitters: PubMed 22796000; PubMed 24610330.

NC_000002.11:g.(?_44507855)_(44549039_?)del

Genes: PREPL (prolyl endopeptidase like; minus strand), SLC3A1 (solute carrier family 3 member 1; plus strand). Cytogenetic location: 2p21.
Variant type: Deletion.
Identifiers: ClinVar variation 1076230 (VCV001076230.1).